The following is an entry in ClinVar:

NM_000044.6(AR):c.1810A>T (p.Ile604Phe)

Gene: AR (androgen receptor; plus strand). Cytogenetic location: Xq12.
Variant type: single nucleotide variant.
Coding change: c.1810A>T on transcript NM_000044.6 (MANE Select); coding-DNA position 1810, A replaced by T.
Protein change: p.Ile604Phe; replaces isoleucine 604 with phenylalanine.
Molecular consequence: missense variant. On other transcripts: 3 prime UTR variant (1).
Genome position (GRCh38, 1-based): chrX:67,686,051, A>T. VCF-style: chrX-67686051-A-T. GRCh37 (hg19) VCF-style: chrX-66905893-A-T.
Other names: c.1810A>T, p.Ile604Phe (NM_001348061.1, NM_001348063.1); c.*8A>T (NM_001348064.1); c.214A>T, p.Ile72Phe (NM_001011645.3); short protein forms I72F, I604F.
Identifiers: ClinVar variation 4783657 (VCV004783657.1).

ClinVar aggregate classification (germline): Likely pathogenic (1 of 4 stars; one submission).

Conditions:
Androgen resistance syndrome (AIS). Also called: ANDROGEN RECEPTOR DEFICIENCY; DIHYDROTESTOSTERONE RECEPTOR DEFICIENCY; TESTICULAR FEMINIZATION SYNDROME; DHTR DEFICIENCY; Androgen insensitivity syndrome; Androgen insensitivity. Identifiers: Orphanet 754, Orphanet 99429, MedGen C0039585, MONDO:0019154, OMIM 300068. Disease mechanism: loss of function.
Kennedy disease (SMAX1). Also called: SPINAL AND BULBAR MUSCULAR ATROPHY, X-LINKED 1; KENNEDY SPINAL AND BULBAR MUSCULAR ATROPHY; Spinal and Bulbar Muscular Atrophy. Identifiers: Orphanet 481, MedGen C1839259, MONDO:0010735, OMIM 313200.

Submission:

Labcorp Genetics (formerly Invitae), Labcorp
Classification: Likely pathogenic for Kennedy disease; Androgen resistance syndrome. Last evaluated: 2025-05-08. Review status: criteria provided, single submitter. Criteria: Invitae Variant Classification Sherloc (09022015). Collection method: clinical testing. Allele origin: germline.
Comment: This sequence change replaces isoleucine, which is neutral and non-polar, with phenylalanine, which is neutral and non-polar, at codon 604 of the AR protein (p.Ile604Phe). This variant is not present in population databases (gnomAD no frequency). This missense change has been observed in individual(s) with clinical features of Androgen Insensitivity Syndrome (internal data). Invitae Evidence Modeling of protein sequence and biophysical properties (such as structural, functional, and spatial information, amino acid conservation, physicochemical variation, residue mobility, and thermodynamic stability) indicates that this missense variant is expected to disrupt AR protein function with a positive predictive value of 95%. This variant disrupts the p.Ile604 amino acid residue in AR. Other variant(s) that disrupt this residue have been observed in individuals with AR-related conditions (PMID: 22334387; internal data), which suggests that this may be a clinically significant amino acid residue. In summary, the currently available evidence indicates that the variant is pathogenic, but additional data are needed to prove that conclusively. Therefore, this variant has been classified as Likely Pathogenic.

Literature cited by the submitters: PubMed 22334387.